The following is an entry in ClinVar:

ClinVar aggregate classification (germline): Uncertain significance. Review status: criteria provided, multiple submitters, no conflicts (2 of 4 stars). 3 submissions from 3 submitters: Uncertain significance (3). Last evaluated 2026-06-17.

Conditions:
UCP3-related disorder. Also called: UCP3-related condition.

Allele frequency attached by ClinVar (database versions not stated): 1000 Genomes Project 30x 0.00016; gnomAD 0.00023; gnomAD exomes 0.00029; ESP Exome Variant Server 0.00031; ExAC 0.00032; TOPMed 0.00037.
gnomAD v4.1: 474 of 1,612,064 alleles (0.029%); highest among the groups gnomAD compares: Middle Eastern, 0.3%; no homozygotes.

Submissions (3):

PreventionGenetics, part of Exact Sciences
Classification: Uncertain significance for UCP3-related condition. Last evaluated: 2026-06-17. Review status: criteria provided, single submitter. Criteria: ACMG Guidelines, 2015. Collection method: clinical testing. Allele origin: germline.
Comment: The UCP3 c.211A>C variant is predicted to result in the amino acid substitution p.Thr71Pro. To our knowledge, this variant has not been reported in the literature. This variant is reported in 0.14% of alleles in individuals of Latino descent in gnomAD, which is higher than expected for an undocumented disease-causing variant. Although we suspect this variant may be benign, at this time, the clinical significance is uncertain due to the absence of conclusive functional and genetic evidence.

Labcorp Genetics (formerly Invitae), Labcorp
Classification: Uncertain significance. Last evaluated: 2026-01-05. Review status: criteria provided, single submitter. Criteria: Invitae Variant Classification Sherloc (09022015). Collection method: clinical testing. Allele origin: germline.
Comment: This sequence change replaces threonine, which is neutral and polar, with proline, which is neutral and non-polar, at codon 71 of the UCP3 protein (p.Thr71Pro). This variant is present in population databases (rs143786748, gnomAD 0.1%), and has an allele count higher than expected for a pathogenic variant. This variant has not been reported in the literature in individuals affected with UCP3-related conditions. ClinVar contains an entry for this variant (Variation ID: 2054368). Invitae Evidence Modeling of protein sequence and biophysical properties (such as structural, functional, and spatial information, amino acid conservation, physicochemical variation, residue mobility, and thermodynamic stability) indicates that this missense variant is not expected to disrupt UCP3 protein function with a negative predictive value of 80%. In summary, the available evidence is currently insufficient to determine the role of this variant in disease. Therefore, it has been classified as a Variant of Uncertain Significance.

Ambry Genetics
Classification: Uncertain significance. Last evaluated: 2021-08-17. Review status: criteria provided, single submitter. Criteria: Ambry Variant Classification Scheme 2023. Collection method: clinical testing. Allele origin: germline.

NM_003356.4(UCP3):c.211A>C (p.Thr71Pro)

Gene: UCP3 (uncoupling protein 3; minus strand). Cytogenetic location: 11q13.4.
Variant type: single nucleotide variant.
Coding change: c.211A>C on transcript NM_003356.4 (MANE Select); coding-DNA position 211, A replaced by C.
Protein change: p.Thr71Pro; replaces threonine 71 with proline.
Molecular consequence: missense variant.
Genome position (GRCh38, 1-based): chr11:74,006,295, T>G on the plus strand (A>C on the coding strand, the complement: UCP3 is on the minus strand). VCF-style: chr11-74006295-T-G. GRCh37 (hg19) VCF-style: chr11-73717340-T-G.
Other names: c.211A>C (NM_003356.3); c.211A>C, p.Thr71Pro (NM_022803.3); short protein forms T71P.
Identifiers: ClinVar variation 2054368 (VCV002054368.9), dbSNP rs143786748, ClinGen allele CA6181587.